The following is an entry in ClinVar:

NM_001379500.1(COL18A1):c.3883C>T (p.Arg1295Trp)

Genes: COL18A1 (collagen type XVIII alpha 1 chain; plus strand), SLC19A1 (solute carrier family 19 member 1; minus strand). Cytogenetic location: 21q22.3.
Variant type: single nucleotide variant.
Coding change: c.3883C>T on transcript NM_001379500.1 (MANE Select); coding-DNA position 3883, C replaced by T.
Protein change: p.Arg1295Trp; replaces arginine 1295 with tryptophan.
Molecular consequence: missense variant.
Genome position (GRCh38, 1-based): chr21:45,512,261, C>T. VCF-style: chr21-45512261-C-T. GRCh37 (hg19) VCF-style: chr21-46932175-C-T.
Other names: c.4414C>T, p.Arg1472Trp (NM_030582.4); c.5119C>T, p.Arg1707Trp (NM_130444.3); short protein forms R1295W, R1472W, R1707W.
Identifiers: ClinVar variation 1954360 (VCV001954360.4), dbSNP rs1403108537, ClinGen allele CA410502253.
Genomic context (GRCh38, chr21:45,512,261, plus strand): 5'-GTGTGGCATGGCTCGGACCCCAACGGGCGCAGGCTGACCGAGAGCTACTGTGAGACGTGG[C>T]GGACGGAGGCTCCCTCGGCCACGGGCCAGGCCTCCTCGCTGCTGGGGGGCAGGCTCCTGG-3'
Protein context (NP_001366429.1, residues 1285-1305): RLTESYCETW[Arg1295Trp]TEAPSATGQA

ClinVar aggregate classification (germline): Uncertain significance (1 of 4 stars; one submission).

gnomAD v4.1: 7 of 1,611,750 alleles (0.00043%); highest among the groups gnomAD compares: East Asian, 0.0045%; no homozygotes.

Submission:

Labcorp Genetics (formerly Invitae), Labcorp
Classification: Uncertain significance. Last evaluated: 2023-08-17. Review status: criteria provided, single submitter. Criteria: Invitae Variant Classification Sherloc (09022015). Collection method: clinical testing. Allele origin: germline.
Comment: This variant is not present in population databases (gnomAD no frequency). This sequence change replaces arginine, which is basic and polar, with tryptophan, which is neutral and slightly polar, at codon 1292 of the COL18A1 protein (p.Arg1292Trp). This variant has not been reported in the literature in individuals affected with COL18A1-related conditions. ClinVar contains an entry for this variant (Variation ID: 1954360). Experimental studies and prediction algorithms are not available or were not evaluated, and the functional significance of this variant is currently unknown. In summary, the available evidence is currently insufficient to determine the role of this variant in disease. Therefore, it has been classified as a Variant of Uncertain Significance.